The following is an entry in ClinVar:

ClinVar aggregate classification (germline): Likely benign (0 of 4 stars; one submission).

Conditions:
GLA-related disorder. Also called: GLA-related condition.

Allele frequency attached by ClinVar (database versions not stated): gnomAD exomes 0.00013; 1000 Genomes Project 0.00079; 1000 Genomes Project 30x 0.00083; gnomAD 0.00107; TOPMed 0.00130.
gnomAD v4.1: 213 of 842,330 alleles (0.025%); highest among the groups gnomAD compares: African/African-American, 0.38%; no homozygotes.

Submission:

PreventionGenetics, part of Exact Sciences
Classification: Likely benign for GLA-related condition. Last evaluated: 2022-04-04. Review status: no assertion criteria provided. Collection method: clinical testing. Allele origin: germline.
Comment: This variant is classified as likely benign based on ACMG/AMP sequence variant interpretation guidelines (Richards et al. 2015 PMID: 25741868, with internal and published modifications).

NC_000023.11:g.101391167A>G

Genes: GLA (galactosidase alpha; minus strand), RPL36A (ribosomal protein L36a; plus strand), RPL36A-HNRNPH2 (RPL36A-HNRNPH2 readthrough; plus strand). Cytogenetic location: Xq22.1.
Variant type: single nucleotide variant.
Molecular consequence: intron variant (on NM_021029.6).
Genome position: GRCh38 VCF-style: chrX-101391167-A-G. GRCh37 (hg19) VCF-style: chrX-100646155-A-G.
Other names: c.3+121A>G (NM_001199973.2, NM_001199974.2, NM_021029.6).
Identifiers: ClinVar variation 3048977 (VCV003048977.2), dbSNP rs782691804, ClinGen allele CA333091311.